The following is an entry in ClinVar:

ClinVar aggregate classification (germline): Uncertain significance. Review status: criteria provided, multiple submitters, no conflicts (2 of 4 stars). 2 submissions from 2 submitters: Uncertain significance (2). Last evaluated 2022-10-27.

Conditions:
Cerebellar ataxia, impaired intellectual development, and dysequilibrium syndrome 2. Also called: Cerebellar ataxia, intellectual disability, and dysequilibrium syndrome 2; CEREBELLAR ATAXIA, MENTAL RETARDATION, AND DYSEQUILIBRIUM SYNDROME 2; CEREBELLAR ATAXIA AND MENTAL RETARDATION WITH OR WITHOUT QUADRUPEDAL LOCOMOTION 2. Identifiers: Orphanet 1766, MedGen C2750234, MONDO:0012430, OMIM 610185.

Allele frequency attached by ClinVar (database versions not stated): ExAC 0.00003; gnomAD 0.00003; TOPMed 0.00004; gnomAD exomes 0.00008; 1000 Genomes Project 30x 0.00016; 1000 Genomes Project 0.00020.
gnomAD v4.1: 121 of 1,605,566 alleles (0.0075%); highest among the groups gnomAD compares: East Asian, 0.018%; no homozygotes.

Submissions (2):

GeneDx
Classification: Uncertain significance. Last evaluated: 2022-10-27. Review status: criteria provided, single submitter. Criteria: GeneDx Variant Classification Process June 2021. Collection method: clinical testing. Allele origin: germline. Affected: yes.
Comment: In silico analysis supports that this missense variant does not alter protein structure/function; Has not been previously published as pathogenic or benign to our knowledge

Daryl Scott Lab, Baylor College of Medicine
Classification: Uncertain significance for Cerebellar ataxia, impaired intellectual development, and dysequilibrium syndrome 2. Review status: criteria provided, single submitter. Criteria: ACMG Guidelines, 2015. Collection method: clinical testing. Allele origin: paternal. Affected: yes. Observed: 1 heterozygote.
Comment: BP4

NM_001163809.2(WDR81):c.3211G>A (p.Val1071Ile)

Gene: WDR81 (WD repeat domain 81; plus strand). Cytogenetic location: 17p13.3.
Variant type: single nucleotide variant.
Coding change: c.3211G>A on transcript NM_001163809.2 (MANE Select); coding-DNA position 3211, G replaced by A.
Protein change: p.Val1071Ile; replaces valine 1071 with isoleucine.
Molecular consequence: missense variant. On other transcripts: intron variant (2).
Genome position (GRCh38, 1-based): chr17:1,728,170, G>A. VCF-style: chr17-1728170-G-A. GRCh37 (hg19) VCF-style: chr17-1631464-G-A.
Other names: c.58G>A, p.Val20Ile (NM_152348.4); c.59-2210G>A (NM_001163673.2); c.-14-2210G>A (NM_001163811.2); short protein forms V1071I, V20I.
Identifiers: ClinVar variation 2500447 (VCV002500447.2), dbSNP rs547107402, ClinGen allele CA8273204.